The following is an entry in ClinVar:

NM_000194.3(HPRT1):c.118G>T (p.Gly40Ter)

Gene: HPRT1 (hypoxanthine phosphoribosyltransferase 1; plus strand). Cytogenetic location: Xq26.2.
Variant type: single nucleotide variant.
Coding change: c.118G>T on transcript NM_000194.3 (MANE Select); coding-DNA position 118, G replaced by T.
Protein change: p.Gly40Ter; replaces glycine 40 with a stop codon.
Molecular consequence: nonsense.
Genome position (GRCh38, 1-based): chrX:134,473,449, G>T. VCF-style: chrX-134473449-G-T. GRCh37 (hg19) VCF-style: chrX-133607479-G-T.
Other names: short protein forms G40*.
Identifiers: ClinVar variation 1390125 (VCV001390125.6), dbSNP rs2124290355, ClinGen allele CA414711443.
Genomic context (GRCh38, chrX:134,473,449, plus strand): 5'-GATTTATTTTGCATACCTAATCATTATGCTGAGGATTTGGAAAGGGTGTTTATTCCTCAT[G>T]GACTAATTATGGACAGGTAAGTAAGATCTTAAAATGAGGTTTTTTACTTTTTCTTGTGTT-3'

ClinVar aggregate classification (germline): Pathogenic (1 of 4 stars; one submission).

Conditions:
Lesch-Nyhan syndrome (LNS). Also called: Lesch-Nyhan Disease (LND); HPRT DEFICIENCY, COMPLETE. Identifiers: Orphanet 510, MedGen C0023374, MONDO:0010298, OMIM 300322.
Partial hypoxanthine-guanine phosphoribosyltransferase deficiency. Also called: GOUT, HPRT-RELATED; Kelley-Seegmiller Syndrome; HPRT DEFICIENCY, PARTIAL; HYPOXANTHINE GUANINE PHOSPHORIBOSYLTRANSFERASE 1 DEFICIENCY, PARTIAL; HPRT1 DEFICIENCY, PARTIAL. Identifiers: Orphanet 79233, MedGen C0268117, MONDO:0010299, OMIM 300323.

Submission:

Labcorp Genetics (formerly Invitae), Labcorp
Classification: Pathogenic for Lesch-Nyhan syndrome; Partial hypoxanthine-guanine phosphoribosyltransferase deficiency. Last evaluated: 2021-01-08. Review status: criteria provided, single submitter. Criteria: Invitae Variant Classification Sherloc (09022015). Collection method: clinical testing. Allele origin: germline.
Comment: This variant has not been reported in the literature in individuals with HPRT1-related conditions. This sequence change creates a premature translational stop signal (p.Gly40*) in the HPRT1 gene. It is expected to result in an absent or disrupted protein product. This variant is not present in population databases (ExAC no frequency). Loss-of-function variants in HPRT1 are known to be pathogenic (PMID: 15571220, 17027311, 22157001). For these reasons, this variant has been classified as Pathogenic.

Literature cited by the submitters: PubMed 15571220; PubMed 17027311; PubMed 22157001.